The following is an entry in ClinVar:

NM_006736.6(DNAJB2):c.283A>G (p.Thr95Ala)

Gene: DNAJB2 (DnaJ heat shock protein family (Hsp40) member B2; plus strand). Cytogenetic location: 2q35.
Variant type: single nucleotide variant.
Coding change: c.283A>G on transcript NM_006736.6 (MANE Select); coding-DNA position 283, A replaced by G.
Protein change: p.Thr95Ala; replaces threonine 95 with alanine.
Molecular consequence: missense variant.
Genome position (GRCh38, 1-based): chr2:219,281,992, A>G. VCF-style: chr2-219281992-A-G. GRCh37 (hg19) VCF-style: chr2-220146714-A-G.
Other names: c.283A>G, p.Thr95Ala (NM_001039550.2); short protein forms T95A.
Identifiers: ClinVar variation 1796688 (VCV001796688.2), dbSNP rs1574900344, ClinGen allele CA350648047.

ClinVar aggregate classification (germline): Uncertain significance (1 of 4 stars; one submission).

Conditions:
Inborn genetic diseases. Identifiers: MedGen C0950123, MeSH D030342.

Allele frequency attached by ClinVar (database versions not stated): gnomAD exomes 0.00001.
gnomAD v4.1: 3 of 1,614,048 alleles (0.00019%); highest among the groups gnomAD compares: East Asian, 0.0067%; no homozygotes.

Submission:

Ambry Genetics
Classification: Uncertain significance for Inborn genetic diseases. Last evaluated: 2022-06-28. Review status: criteria provided, single submitter. Criteria: Ambry Variant Classification Scheme 2023. Collection method: clinical testing. Allele origin: germline.
Comment: The p.T95A variant (also known as c.283A>G), located in coding exon 4 of the DNAJB2 gene, results from an A to G substitution at nucleotide position 283. The threonine at codon 95 is replaced by alanine, an amino acid with similar properties. This amino acid position is conserved. In addition, the in silico prediction for this alteration is inconclusive. Since supporting evidence is limited at this time, the clinical significance of this alteration remains unclear.